The following is an entry in ClinVar:

ClinVar aggregate classification (germline): Pathogenic (1 of 4 stars; one submission).

Conditions:
Hereditary spastic paraplegia 11. Also called: SPASTIC PARAPLEGIA, AUTOSOMAL RECESSIVE, COMPLICATED, WITH THIN CORPUS CALLOSUM; SPASTIC PARAPLEGIA, AUTOSOMAL RECESSIVE, WITH MENTAL IMPAIRMENT AND THIN CORPUS CALLOSUM; Spastic paraplegia, mental retardation and thin corpus callosum; Spastic Paraplegia 11; Nakamura Osame syndrome; Autosomal recessive hereditary spastic paraplegia, mental impairment, and thin corpus callosum. Identifiers: Orphanet 2822, MedGen C1858479, MONDO:0011445, OMIM 604360.

Submission:

Labcorp Genetics (formerly Invitae), Labcorp
Classification: Pathogenic for Hereditary spastic paraplegia 11. Last evaluated: 2021-03-24. Review status: criteria provided, single submitter. Criteria: Invitae Variant Classification Sherloc (09022015). Collection method: clinical testing. Allele origin: germline.
Comment: For these reasons, this variant has been classified as Pathogenic. This variant has not been reported in the literature in individuals with SPG11-related conditions. This variant is not present in population databases (ExAC no frequency). This sequence change creates a premature translational stop signal (p.Leu1037Phefs*10) in the SPG11 gene. It is expected to result in an absent or disrupted protein product. Loss-of-function variants in SPG11 are known to be pathogenic (PMID: 19105190, 20110243, 22154821).

Literature cited by the submitters: PubMed 19105190; PubMed 20110243; PubMed 22154821.

NM_025137.4(SPG11):c.3110dup (p.Leu1037fs)

Gene: SPG11 (SPG11 vesicle trafficking associated, spatacsin; minus strand). Cytogenetic location: 15q21.1.
Variant type: Duplication.
Coding change: c.3110dup on transcript NM_025137.4 (MANE Select); coding-DNA position 3110, one base duplicated (T; older notation c.3110dupT).
Protein change: p.Leu1037fs; shifts the reading frame from leucine 1037.
Molecular consequence: frameshift variant.
Genome position (GRCh38, 1-based): chr15:44,613,465, A duplicated on the plus strand (T on the coding strand, the reverse complement: SPG11 is on the minus strand); the first of 5 consecutive A bases (chr15:44,613,465-44,613,469); duplicating any one gives the same sequence. VCF-style (leftmost placement, unchanged base first): chr15-44613464-T-TA. GRCh37 (hg19) VCF-style: chr15-44905662-T-TA.
Other names: c.3110dup, p.Leu1037fs (NM_001160227.2); short protein forms L1037fs.
Identifiers: ClinVar variation 1451622 (VCV001451622.6), dbSNP rs2141011028, ClinGen allele CA2573150861.